The following is an entry in ClinVar:

ClinVar aggregate classification (germline): Uncertain significance (1 of 4 stars; one submission).

Conditions:
Cardiovascular phenotype. Identifiers: MedGen CN230736.

Submission:

Ambry Genetics
Classification: Uncertain significance for Cardiovascular phenotype. Last evaluated: 2026-03-02. Review status: criteria provided, single submitter. Criteria: Ambry Variant Classification Scheme 2023. Collection method: clinical testing. Allele origin: germline.
Comment: The p.C53* variant (also known as c.159C>A), located in coding exon 2 of the SCN4B gene, results from a C to A substitution at nucleotide position 159. This changes the amino acid from a cysteine to a stop codon within coding exon 2. This variant is expected to result in protein truncation or nonsense-mediated mRNA decay. However, loss of function has not been established as a mechanism of disease. Based on the available evidence, the clinical significance of this variant remains unclear.

NM_174934.4(SCN4B):c.159C>A (p.Cys53Ter)

Gene: SCN4B (sodium voltage-gated channel beta subunit 4; minus strand). Cytogenetic location: 11q23.3.
Variant type: single nucleotide variant.
Coding change: c.159C>A on transcript NM_174934.4 (MANE Select); coding-DNA position 159, C replaced by A.
Protein change: p.Cys53Ter; replaces cysteine 53 with a stop codon.
Molecular consequence: nonsense. On other transcripts: 5 prime UTR variant (1), non-coding transcript variant (1), intron variant (1).
Genome position (GRCh38, 1-based): chr11:118,145,132, G>T on the plus strand (C>A on the coding strand, the complement: SCN4B is on the minus strand). VCF-style: chr11-118145132-G-T. GRCh37 (hg19) VCF-style: chr11-118015847-G-T.
Other names: c.-172C>A (NM_001142349.2); c.62-3796C>A (NM_001142348.2); short protein forms C53*.
Identifiers: ClinVar variation 4844156 (VCV004844156.1).